The following is an entry in ClinVar:

NM_020461.4(TUBGCP6):c.3781T>G (p.Ser1261Ala)

Gene: TUBGCP6 (tubulin gamma complex component 6; minus strand). Cytogenetic location: 22q13.33.
Variant type: single nucleotide variant.
Coding change: c.3781T>G on transcript NM_020461.4 (MANE Select); coding-DNA position 3781, T replaced by G.
Protein change: p.Ser1261Ala; replaces serine 1261 with alanine.
Molecular consequence: missense variant.
Genome position (GRCh38, 1-based): chr22:50,220,578, A>C on the plus strand (T>G on the coding strand, the complement: TUBGCP6 is on the minus strand). VCF-style: chr22-50220578-A-C. GRCh37 (hg19) VCF-style: chr22-50659007-A-C.
Other names: short protein forms S1261A.
Identifiers: ClinVar variation 1467546 (VCV001467546.3), dbSNP rs939363267, ClinGen allele CA325511930.

ClinVar aggregate classification (germline): Uncertain significance (1 of 4 stars; one submission).

Allele frequency attached by ClinVar (database versions not stated): gnomAD exomes below 0.00001.
gnomAD v4.1: 1 of 1,595,662 alleles (0.000063%); highest among the groups gnomAD compares: Non-Finnish European, 0.000085%; no homozygotes.

Submission:

Labcorp Genetics (formerly Invitae), Labcorp
Classification: Uncertain significance. Last evaluated: 2022-08-16. Review status: criteria provided, single submitter. Criteria: Invitae Variant Classification Sherloc (09022015). Collection method: clinical testing. Allele origin: germline.
Comment: This sequence change replaces serine, which is neutral and polar, with alanine, which is neutral and non-polar, at codon 1261 of the TUBGCP6 protein (p.Ser1261Ala). This variant is not present in population databases (gnomAD no frequency). This variant has not been reported in the literature in individuals affected with TUBGCP6-related conditions. ClinVar contains an entry for this variant (Variation ID: 1467546). Algorithms developed to predict the effect of missense changes on protein structure and function (SIFT, PolyPhen-2, Align-GVGD) all suggest that this variant is likely to be tolerated. In summary, the available evidence is currently insufficient to determine the role of this variant in disease. Therefore, it has been classified as a Variant of Uncertain Significance.